The following is an entry in ClinVar:

ClinVar aggregate classification (germline): Uncertain significance. Review status: criteria provided, multiple submitters, no conflicts (2 of 4 stars). 3 submissions from 3 submitters: Uncertain significance (3). Last evaluated 2024-08-20.

Conditions:
Catecholaminergic polymorphic ventricular tachycardia 1. Also called: VENTRICULAR TACHYCARDIA, CATECHOLAMINERGIC POLYMORPHIC, 1, WITH OR WITHOUT ATRIAL DYSFUNCTION AND/OR DILATED CARDIOMYOPATHY; RYR2-Related Catecholaminergic Polymorphic Ventricular Tachycardia; VENTRICULAR TACHYCARDIA, STRESS-INDUCED POLYMORPHIC 1. Identifiers: Orphanet 3286, MedGen C1631597, MONDO:0011484, OMIM 604772.
Catecholaminergic polymorphic ventricular tachycardia (CVPT). Also called: Catecholamine-induced polymorphic ventricular tachycardia. Identifiers: Orphanet 3286, MedGen C5574922, MONDO:0017990.
Cardiomyopathy (CMYO). Also called: Cardiomyopathies. Identifiers: Orphanet 167848, MedGen C0878544, MONDO:0004994, HP:0001638. Inheritance: Various modes of inheritance.

Submissions (3):

Labcorp Genetics (formerly Invitae), Labcorp
Classification: Uncertain significance for Catecholaminergic polymorphic ventricular tachycardia 1. Last evaluated: 2024-08-20. Review status: criteria provided, single submitter. Criteria: Invitae Variant Classification Sherloc (09022015). Collection method: clinical testing. Allele origin: germline.
Comment: This sequence change replaces lysine, which is basic and polar, with glutamic acid, which is acidic and polar, at codon 4272 of the RYR2 protein (p.Lys4272Glu). This variant is not present in population databases (gnomAD no frequency). This variant has not been reported in the literature in individuals affected with RYR2-related conditions. Invitae Evidence Modeling of protein sequence and biophysical properties (such as structural, functional, and spatial information, amino acid conservation, physicochemical variation, residue mobility, and thermodynamic stability) indicates that this missense variant is expected to disrupt RYR2 protein function with a positive predictive value of 95%. In summary, the available evidence is currently insufficient to determine the role of this variant in disease. Therefore, it has been classified as a Variant of Uncertain Significance.

All of Us Research Program, National Institutes of Health
Classification: Uncertain significance for Catecholaminergic polymorphic ventricular tachycardia. Last evaluated: 2023-12-13. Review status: criteria provided, single submitter. Criteria: ACMG Guidelines, 2015. Collection method: clinical testing. Allele origin: germline. Inheritance: Autosomal dominant inheritance. Observed: 1 variant allele, 1 heterozygote.
Comment: This missense variant replaces lysine with glutamic acid at codon 4272 of the RYR2 protein. Computational prediction suggests that this variant may have deleterious impact on protein structure and function (internally defined REVEL score threshold >= 0.7, PMID: 27666373). To our knowledge, functional studies have not been reported for this variant. This variant has not been reported in individuals affected with RYR2-related disorders in the literature. This variant has not been identified in the general population by the Genome Aggregation Database (gnomAD). The available evidence is insufficient to determine the role of this variant in disease conclusively. Therefore, this variant is classified as a Variant of Uncertain Significance.

This study involves interpretation of variants in research participants for the purpose of population health screening. Participant phenotype was not available at the time of variant classification. Additional details can be found in publication PMID: 35346344, PMCID: PMC8962531

Color Diagnostics, LLC DBA Color Health
Classification: Uncertain significance for Cardiomyopathy. Last evaluated: 2023-11-08. Review status: criteria provided, single submitter. Criteria: ACMG Guidelines, 2015. Collection method: clinical testing. Allele origin: germline.
Comment: This missense variant replaces lysine with glutamic acid at codon 4272 of the RYR2 protein. Computational prediction suggests that this variant may have deleterious impact on protein structure and function. To our knowledge, functional studies have not been reported for this variant. This variant has not been reported in individuals affected with RYR2-related disorders in the literature. This variant has not been identified in the general population by the Genome Aggregation Database (gnomAD). The available evidence is insufficient to determine the role of this variant in disease conclusively. Therefore, this variant is classified as a Variant of Uncertain Significance.

NM_001035.3(RYR2):c.12814A>G (p.Lys4272Glu)

Genes: RYR2 (ryanodine receptor 2; plus strand), LOC126806068 (BRD4-independent group 4 enhancer GRCh37_chr1:237947411-237948610; plus strand). Cytogenetic location: 1q43.
Variant type: single nucleotide variant.
Coding change: c.12814A>G on transcript NM_001035.3 (MANE Select); coding-DNA position 12814, A replaced by G.
Protein change: p.Lys4272Glu; replaces lysine 4272 with glutamic acid.
Molecular consequence: missense variant.
Genome position (GRCh38, 1-based): chr1:237,784,526, A>G. VCF-style: chr1-237784526-A-G. GRCh37 (hg19) VCF-style: chr1-237947826-A-G.
Other names: short protein forms K4272E.
Identifiers: ClinVar variation 3074859 (VCV003074859.4), dbSNP rs2527792658, ClinGen allele CA345414301.